The following is an entry in ClinVar:

ClinVar aggregate classification (germline): Uncertain significance (1 of 4 stars; one submission).

Conditions:
Developmental and epileptic encephalopathy, 12 (DEE12). Identifiers: MedGen C3150988, MONDO:0013389, OMIM 613722.

Submission:

Labcorp Genetics (formerly Invitae), Labcorp
Classification: Uncertain significance for Developmental and epileptic encephalopathy, 12. Last evaluated: 2022-01-11. Review status: criteria provided, single submitter. Criteria: Invitae Variant Classification Sherloc (09022015). Collection method: clinical testing. Allele origin: germline.
Comment: This variant has not been reported in the literature in individuals affected with PLCB1-related conditions. This sequence change replaces asparagine, which is neutral and polar, with tyrosine, which is neutral and polar, at codon 1178 of the PLCB1 protein (p.Asn1178Tyr). This variant is not present in population databases (gnomAD no frequency). Algorithms developed to predict the effect of missense changes on protein structure and function are either unavailable or do not agree on the potential impact of this missense change (SIFT: "Deleterious"; PolyPhen-2: "Benign"; Align-GVGD: "Class C0"). In summary, the available evidence is currently insufficient to determine the role of this variant in disease. Therefore, it has been classified as a Variant of Uncertain Significance.

NM_015192.4(PLCB1):c.3532A>T (p.Asn1178Tyr)

Gene: PLCB1 (phospholipase C beta 1; plus strand). Cytogenetic location: 20p12.3.
Variant type: single nucleotide variant.
Coding change: c.3532A>T on transcript NM_015192.4 (MANE Select); coding-DNA position 3532, A replaced by T.
Protein change: p.Asn1178Tyr; replaces asparagine 1178 with tyrosine.
Molecular consequence: missense variant. On other transcripts: 3 prime UTR variant (1).
Genome position (GRCh38, 1-based): chr20:8,881,730, A>T. VCF-style: chr20-8881730-A-T. GRCh37 (hg19) VCF-style: chr20-8862377-A-T.
Other names: c.*128A>T (NM_182734.3); short protein forms N1178Y.
Identifiers: ClinVar variation 2079978 (VCV002079978.4), dbSNP rs2514558574, ClinGen allele CA408263464.
Genomic context (GRCh38, chr20:8,881,730, plus strand): 5'-CCCCTCGAGATTTTGGAATTCGTGCAGGAAGCCATGAAAGGAAAGATCAGTGAAGACAGC[A>T]ATCACGGTTCTGCCCCTCTCTCCCTGTCCTCAGACCCTGGAAAAGTGAACCACAAGACTC-3'
Protein context (NP_056007.1, residues 1168-1188): AMKGKISEDS[Asn1178Tyr]HGSAPLSLSS